The following is an entry in ClinVar:

NM_001283009.2(RTEL1):c.3587dup (p.Gly1197fs)

Genes: RTEL1 (regulator of telomere elongation helicase 1; plus strand), RTEL1-TNFRSF6B (RTEL1-TNFRSF6B readthrough (NMD candidate); plus strand). Cytogenetic location: 20q13.33.
Variant type: Duplication.
Coding change: c.3587dup on transcript NM_001283009.2 (MANE Select); coding-DNA position 3587, one base duplicated (G; older notation c.3587dupG).
Protein change: p.Gly1197fs; shifts the reading frame from glycine 1197.
Molecular consequence: frameshift variant. On other transcripts: non-coding transcript variant (1).
Genome position (GRCh38, 1-based): chr20:63,695,415, G duplicated; the last of 3 consecutive G bases (chr20:63,695,413-63,695,415); duplicating any one gives the same sequence. VCF-style (leftmost placement, unchanged base first): chr20-63695412-C-CG. GRCh37 (hg19) VCF-style: chr20-62326765-C-CG.
Other names: c.2918dup, p.Gly974fs (NM_001283010.1); c.3587dup, p.Gly1197fs (NM_016434.4); c.3659dup, p.Gly1221fs (NM_032957.5); short protein forms G1197fs, G1221fs, G974fs.
Identifiers: ClinVar variation 4816356 (VCV004816356.1).

ClinVar aggregate classification (germline): Likely pathogenic (1 of 4 stars; one submission).

Conditions:
Dyskeratosis congenita. Identifiers: Orphanet 1775, MedGen C0265965, MONDO:0015780.

Submission:

Natera, Inc.
Classification: Likely pathogenic for Dyskeratosis congenita. Last evaluated: 2024-07-05. Review status: criteria provided, single submitter. Criteria: Natera Variant Classification Schema (03/2026). Collection method: clinical testing. Allele origin: germline.
Comment: The c.3659dup variant in RTEL1 is a frameshift variant predicted to shift the reading frame beginning at codon 1221 and leads to a stop codon 2 codons downstream. This variant is expected to result in nonsense mediated decay, truncation, or a dysfunctional protein product. This variant is rare in the general population with a frequency below the threshold expected for the associated phenotype(s). Given the available evidence, this variant is classified as Likely Pathogenic.